The following is an entry in ClinVar:

ClinVar aggregate classification (germline): Uncertain significance (1 of 4 stars; one submission).

Submission:

Labcorp Genetics (formerly Invitae), Labcorp
Classification: Uncertain significance. Last evaluated: 2023-05-23. Review status: criteria provided, single submitter. Criteria: Invitae Variant Classification Sherloc (09022015). Collection method: clinical testing. Allele origin: germline.
Comment: This sequence change affects codon 7 of the IL12RB2 mRNA. It is a 'silent' change, meaning that it does not change the encoded amino acid sequence of the IL12RB2 protein. In summary, the available evidence is currently insufficient to determine the role of this variant in disease. Therefore, it has been classified as a Variant of Uncertain Significance. Algorithms developed to predict the effect of sequence changes on RNA splicing suggest that this variant may disrupt the consensus splice site. This variant has not been reported in the literature in individuals affected with IL12RB2-related conditions. This variant is not present in population databases (gnomAD no frequency).

NM_001374259.2(IL12RB2):c.21A>T (p.Gly7=)

Gene: IL12RB2 (interleukin 12 receptor subunit beta 2; plus strand). Cytogenetic location: 1p31.3.
Variant type: single nucleotide variant.
Coding change: c.21A>T on transcript NM_001374259.2 (MANE Select); coding-DNA position 21, A replaced by T.
Protein change: p.Gly7=; no amino-acid change (glycine 7 retained).
Molecular consequence: synonymous variant. On other transcripts: non-coding transcript variant (2).
Genome position (GRCh38, 1-based): chr1:67,320,389, A>T. VCF-style: chr1-67320389-A-T. GRCh37 (hg19) VCF-style: chr1-67786072-A-T.
Other names: c.21A>T, p.Gly7= (NM_001258214.1, NM_001258215.1, NM_001258216.1 and 2 more transcripts).
Identifiers: ClinVar variation 2751431 (VCV002751431.3), dbSNP rs2525812337, ClinGen allele CA418272437.